The following is an entry in ClinVar:

NM_145046.5(CALR3):c.179_180del (p.Lys60fs)

Gene: CALR3 (calreticulin 3; minus strand). Cytogenetic location: 19p13.11.
Variant type: Deletion.
Coding change: c.179_180del on transcript NM_145046.5 (MANE Select); coding-DNA positions 179 to 180, 2 bases deleted (AA; older notation c.179_180delAA).
Protein change: p.Lys60fs; shifts the reading frame from lysine 60.
Molecular consequence: frameshift variant.
Genome position (GRCh38, 1-based): chr19:16,495,764-16,495,765, TT deleted on the plus strand (AA on the coding strand, the reverse complement: CALR3 is on the minus strand); deleting any 2 consecutive bases within chr19:16,495,764-16,495,766 gives the same sequence; the c. name uses the placement nearest the transcript's 3' end. VCF-style (leftmost placement, unchanged base first): chr19-16495763-CTT-C. GRCh37 (hg19) VCF-style: chr19-16606574-CTT-C.
Other names: short protein forms K60fs.
Identifiers: ClinVar variation 3696996 (VCV003696996.2).

ClinVar aggregate classification (germline): Uncertain significance (1 of 4 stars; one submission).

Conditions:
Hypertrophic cardiomyopathy 19. Also called: Familial hypertrophic cardiomyopathy 19. Identifiers: MedGen CN077603, MONDO:0013476.

Submission:

Labcorp Genetics (formerly Invitae), Labcorp
Classification: Uncertain significance for Hypertrophic cardiomyopathy 19. Last evaluated: 2024-02-03. Review status: criteria provided, single submitter. Criteria: Invitae Variant Classification Sherloc (09022015). Collection method: clinical testing. Allele origin: germline.
Comment: This sequence change creates a premature translational stop signal (p.Lys60Argfs*4) in the CALR3 gene. It is expected to result in an absent or disrupted protein product. However, the current clinical and genetic evidence is not sufficient to establish whether loss-of-function variants in CALR3 cause disease. This variant is present in population databases (no rsID available, gnomAD 0.007%). This premature translational stop signal has been observed in individual(s) with sudden infant death (PMID: 29544605). In summary, the available evidence is currently insufficient to determine the role of this variant in disease. Therefore, it has been classified as a Variant of Uncertain Significance.

Literature cited by the submitters: PubMed 29544605.